The following is an entry in ClinVar:

NM_001382241.1(TNPO2):c.1766C>T (p.Ser589Leu)

Gene: TNPO2 (transportin 2; minus strand). Cytogenetic location: 19p13.13.
Variant type: single nucleotide variant.
Coding change: c.1766C>T on transcript NM_001382241.1 (MANE Select); coding-DNA position 1766, C replaced by T.
Protein change: p.Ser589Leu; replaces serine 589 with leucine.
Molecular consequence: missense variant. On other transcripts: non-coding transcript variant (6).
Genome position (GRCh38, 1-based): chr19:12,705,589, G>A on the plus strand (C>T on the coding strand, the complement: TNPO2 is on the minus strand). VCF-style: chr19-12705589-G-A. GRCh37 (hg19) VCF-style: chr19-12816403-G-A.
Other names: c.1766C>T, p.Ser589Leu (NM_001136195.2, NM_001136196.2, NM_001382236.1 and 7 more transcripts); short protein forms S589L.
Identifiers: ClinVar variation 4055976 (VCV004055976.1).

ClinVar aggregate classification (germline): Uncertain significance (1 of 4 stars; one submission).

gnomAD v4.1: 1 of 1,601,596 alleles (0.000062%); highest among the groups gnomAD compares: Non-Finnish European, 0.000085%; no homozygotes.

Submission:

GeneDx
Classification: Uncertain significance. Last evaluated: 2025-01-03. Review status: criteria provided, single submitter. Criteria: GeneDx Variant Classification Process June 2021. Collection method: clinical testing. Allele origin: germline. Affected: yes.
Comment: Not observed at significant frequency in large population cohorts (gnomAD); In silico analysis supports that this missense variant has a deleterious effect on protein structure/function; Has not been previously published as pathogenic or benign to our knowledge